The following is an entry in ClinVar:

ClinVar aggregate classification (germline): Uncertain significance (0 of 4 stars; one submission).

Conditions:
AHI1-related disorder. Also called: AHI1-related condition.

Allele frequency attached by ClinVar (database versions not stated): ExAC 0.00001.
gnomAD v4.1: 1 of 1,613,540 alleles (0.000062%); highest among the groups gnomAD compares: Non-Finnish European, 0.000085%; no homozygotes.

Submission:

PreventionGenetics, part of Exact Sciences
Classification: Uncertain significance for AHI1-related condition. Last evaluated: 2024-02-07. Review status: no assertion criteria provided. Collection method: clinical testing. Allele origin: germline.
Comment: The AHI1 c.119C>T variant is predicted to result in the amino acid substitution p.Ser40Phe. To our knowledge, this variant has not been reported in the literature. This variant is reported in 0.00089% of alleles in individuals of European (Non-Finnish) descent in gnomAD. At this time, the clinical significance of this variant is uncertain due to the absence of conclusive functional and genetic evidence.

NM_001134831.2(AHI1):c.119C>T (p.Ser40Phe)

Gene: AHI1 (Abelson helper integration site 1; minus strand). Cytogenetic location: 6q23.3.
Variant type: single nucleotide variant.
Coding change: c.119C>T on transcript NM_001134831.2 (MANE Select); coding-DNA position 119, C replaced by T.
Protein change: p.Ser40Phe; replaces serine 40 with phenylalanine.
Molecular consequence: missense variant.
Genome position (GRCh38, 1-based): chr6:135,490,639, G>A on the plus strand (C>T on the coding strand, the complement: AHI1 is on the minus strand). VCF-style: chr6-135490639-G-A. GRCh37 (hg19) VCF-style: chr6-135811777-G-A.
Other names: c.119C>T, p.Ser40Phe (NM_001134830.2, NM_001134832.2, NM_001350503.2 and 2 more transcripts); short protein forms S40F.
Identifiers: ClinVar variation 3032616 (VCV003032616.2), dbSNP rs761573884, ClinGen allele CA4012947.
Genomic context (GRCh38, chr6:135,490,639, plus strand): 5'-ATGCGCATATGTAAATCACTATTACCCAATGATCATTTACTTACTGAGATGTTTTCTTCA[G>A]ACCTGACAAGTTTTTTCTTCAGTTTTTTCTTTTCACGCATTAGATCACTGTGGGTCTTAA-3'
Protein context (NP_001128303.1, residues 30-50): KKKLKKKLVR[Ser40Phe]EENISPDTIR